The following is an entry in ClinVar:

ClinVar aggregate classification (germline): Conflicting classifications of pathogenicity. Review status: criteria provided, conflicting classifications (1 of 4 stars). 4 submissions from 4 submitters: Likely pathogenic (3); Uncertain significance (1). Last evaluated 2025-08-03.

Conditions:
6-Pyruvoyl-tetrahydrobiopterin synthase deficiency. Also called: HYPERPHENYLALANINEMIA, TETRAHYDROBIOPTERIN-DEFICIENT, DUE TO PTS DEFICIENCY; BH4-deficient hyperphenylalaninemia A; PTS-Related Tetrahydrobiopterin Deficiency; PTS DEFICIENCY; 6-Pyruvoyltetrahydropterin Synthase Deficiency; Hyperphenylalanemia, BH4-deficient, A. Identifiers: Orphanet 13, Orphanet 238583, MedGen C0878676, MONDO:0009863, OMIM 261640.

Allele frequency attached by ClinVar (database versions not stated): gnomAD 0.00001; TOPMed 0.00001; gnomAD exomes below 0.00001.
gnomAD v4.1: 6 of 1,608,370 alleles (0.00037%); highest among the groups gnomAD compares: Non-Finnish European, 0.00051%; no homozygotes.

Submissions (4):

Labcorp Genetics (formerly Invitae), Labcorp
Classification: Likely pathogenic for 6-Pyruvoyl-tetrahydrobiopterin synthase deficiency. Last evaluated: 2025-08-03. Review status: criteria provided, single submitter. Criteria: Invitae Variant Classification Sherloc (09022015). Collection method: clinical testing. Allele origin: germline.
Comment: This sequence change replaces glutamic acid, which is acidic and polar, with glycine, which is neutral and non-polar, at codon 35 of the PTS protein (p.Glu35Gly). This variant is not present in population databases (gnomAD no frequency). This missense change has been observed in individual(s) with biopterin deficient hyperphenylalanemia (PMID: 10089284, 18060820). ClinVar contains an entry for this variant (Variation ID: 1068143). An algorithm developed to predict the effect of missense changes on protein structure and function (PolyPhen-2) suggests that this variant is likely to be disruptive. In summary, the currently available evidence indicates that the variant is pathogenic, but additional data are needed to prove that conclusively. Therefore, this variant has been classified as Likely Pathogenic.

Fulgent Genetics
Classification: Likely pathogenic for 6-Pyruvoyl-tetrahydrobiopterin synthase deficiency. Last evaluated: 2024-03-04. Review status: criteria provided, single submitter. Criteria: ACMG Guidelines, 2015. Collection method: clinical testing. Allele origin: germline.

Women's Health and Genetics/Laboratory Corporation of America, LabCorp
Classification: Likely pathogenic for 6-Pyruvoyl-tetrahydrobiopterin synthase deficiency. Last evaluated: 2023-02-07. Review status: criteria provided, single submitter. Criteria: LabCorp Variant Classification Summary - May 2015. Collection method: clinical testing. Allele origin: germline.
Comment: Variant summary: PTS c.104A>G (p.Glu35Gly) results in a non-conservative amino acid change in the encoded protein sequence. Five of five in-silico tools predict a damaging effect of the variant on protein function. The variant was absent in 245486 control chromosomes (gnomAD v2.1). c.104A>G has been reported in the literature in compound heterozygous state in individuals affected with 6-Pyruvoyl-Tetrahydropterin Synthase Deficiency (Zekanowski_1998, Jaggi_2008), and in one of these cases it was observed in trans with a pathogenic variant (Jaggi_2008). These data indicate that the variant is likely to be associated with disease. To our knowledge, no experimental evidence demonstrating an impact on protein function has been reported. One clinical diagnostic laboratory has submitted clinical-significance assessments for this variant to ClinVar after 2014, and classified the variant as likely pathogenic. Based on the evidence outlined above, the variant was classified as likely pathogenic.

Blueprint Genetics
Classification: Uncertain significance. Last evaluated: 2021-09-24. Review status: criteria provided, single submitter. Criteria: ACMG Guidelines, 2015. Collection method: clinical testing. Allele origin: germline.

Literature cited by the submitters: PubMed 10089284 (cited by Labcorp Genetics (formerly Invitae), Labcorp and Women's Health and Genetics/Laboratory Corporation of America, LabCorp); PubMed 18060820 (cited by Labcorp Genetics (formerly Invitae), Labcorp and Women's Health and Genetics/Laboratory Corporation of America, LabCorp).

NM_000317.3(PTS):c.104A>G (p.Glu35Gly)

Gene: PTS (6-pyruvoyltetrahydropterin synthase; plus strand). Cytogenetic location: 11q23.1.
Variant type: single nucleotide variant.
Coding change: c.104A>G on transcript NM_000317.3 (MANE Select); coding-DNA position 104, A replaced by G.
Protein change: p.Glu35Gly; replaces glutamic acid 35 with glycine.
Molecular consequence: missense variant.
Genome position (GRCh38, 1-based): chr11:112,228,614, A>G. VCF-style: chr11-112228614-A-G. GRCh37 (hg19) VCF-style: chr11-112099337-A-G.
Other names: c.104A>G (NM_000317.2); short protein forms E35G.
Identifiers: ClinVar variation 1068143 (VCV001068143.12), dbSNP rs1328320990, ClinGen allele CA382626984.
Genomic context (GRCh38, chr11:112,228,614, plus strand): 5'-TACTTGTGTCATGCTGACTTTTTTTTTTTTTTTTGGTCAGTAAATTTCTAAGTGATGAAG[A>G]AAACTTGAAACTGTTTGGGAAATGCAACAATCCAAATGGCCATGGGCACAATTATAAAGG-3'
Protein context (NP_000308.1, residues 25-45): RLYSKFLSDE[Glu35Gly]NLKLFGKCNN